The following is an entry in ClinVar:

NM_003072.5(SMARCA4):c.954C>T (p.Val318=)

Gene: SMARCA4 (SWI/SNF related BAF chromatin remodeling complex subunit ATPase 4; plus strand). Cytogenetic location: 19p13.2.
Variant type: single nucleotide variant.
Coding change: c.954C>T on transcript NM_003072.5 (MANE Select); coding-DNA position 954, C replaced by T.
Protein change: p.Val318=; no amino-acid change (valine 318 retained).
Molecular consequence: synonymous variant. On other transcripts: non-coding transcript variant (1).
Genome position (GRCh38, 1-based): chr19:10,987,760, C>T. VCF-style: chr19-10987760-C-T. GRCh37 (hg19) VCF-style: chr19-11098436-C-T.
Other names: c.954C>T, p.Val318= (NM_001128844.3, NM_001128845.2, NM_001128846.2 and 5 more transcripts).
Identifiers: ClinVar variation 1112252 (VCV001112252.13), dbSNP rs1060504436, ClinGen allele CA505489668.

ClinVar aggregate classification (germline): Likely benign. Review status: criteria provided, multiple submitters, no conflicts (2 of 4 stars). 3 submissions from 3 submitters: Likely benign (2). 1 of the submissions does not count toward it. Last evaluated 2025-11-03.

Conditions:
Hereditary cancer-predisposing syndrome. Also called: Tumor predisposition; Hereditary Cancer Syndrome; Neoplastic Syndromes, Hereditary; Hereditary neoplastic syndrome. Identifiers: Orphanet 140162, MedGen C0027672, MeSH D009386, MONDO:0015356.
SMARCA4-related disorder. Also called: SMARCA4-related condition.
Rhabdoid tumor predisposition syndrome 2 (RTPS2). Identifiers: Orphanet 231108, Orphanet 69077, MedGen C2750074, MONDO:0013224, OMIM 613325.

gnomAD v4.1: 1 of 1,599,984 alleles (0.000063%); highest among the groups gnomAD compares: African/African-American, 0.0013%; no homozygotes.

Submissions (3):

Labcorp Genetics (formerly Invitae), Labcorp
Classification: Likely benign for Rhabdoid tumor predisposition syndrome 2. Last evaluated: 2025-11-03. Review status: criteria provided, single submitter. Criteria: Invitae Variant Classification Sherloc (09022015). Collection method: clinical testing. Allele origin: germline.

Ambry Genetics
Classification: Likely benign for Hereditary cancer-predisposing syndrome. Last evaluated: 2020-03-30. Review status: criteria provided, single submitter. Criteria: Ambry Variant Classification Scheme 2023. Collection method: clinical testing. Allele origin: germline.

PreventionGenetics, part of Exact Sciences
Classification: Likely benign for SMARCA4-related condition. Last evaluated: 2022-12-21. Review status: no assertion criteria provided. Collection method: clinical testing. Allele origin: germline. Not counted in ClinVar's aggregate classification.
Comment: This variant is classified as likely benign based on ACMG/AMP sequence variant interpretation guidelines (Richards et al. 2015 PMID: 25741868, with internal and published modifications).